The following is an entry in ClinVar:

ClinVar aggregate classification (germline): Uncertain significance (1 of 4 stars; one submission).

Conditions:
Hereditary cancer-predisposing syndrome. Also called: Neoplastic Syndromes, Hereditary; Tumor predisposition; Hereditary neoplastic syndrome; Hereditary Cancer Syndrome. Identifiers: Orphanet 140162, MedGen C0027672, MeSH D009386, MONDO:0015356.

Submission:

Ambry Genetics
Classification: Uncertain significance for Hereditary cancer-predisposing syndrome. Last evaluated: 2026-07-07. Review status: criteria provided, single submitter. Criteria: Ambry Variant Classification Scheme 2023. Collection method: clinical testing. Allele origin: germline.
Comment: The p.A242P variant (also known as c.724G>C), located in coding exon 3 of the PHOX2B gene, results from a G to C substitution at nucleotide position 724. The alanine at codon 242 is replaced by proline, an amino acid with highly similar properties. This amino acid position is conserved. In addition, this alteration is predicted to be tolerated by in silico analysis. Based on the available evidence, the clinical significance of this variant remains unclear.

NM_003924.4(PHOX2B):c.724G>C (p.Ala242Pro)

Genes: PHOX2B (paired like homeobox 2B; minus strand), LOC110011216 (paired like homeobox 2b polyalanine repeat instability region; plus strand). Cytogenetic location: 4p13.
Variant type: single nucleotide variant.
Coding change: c.724G>C on transcript NM_003924.4 (MANE Select); coding-DNA position 724, G replaced by C.
Protein change: p.Ala242Pro; replaces alanine 242 with proline.
Molecular consequence: missense variant.
Genome position (GRCh38, 1-based): chr4:41,746,028, C>G on the plus strand (G>C on the coding strand, the complement: PHOX2B is on the minus strand). VCF-style: chr4-41746028-C-G. GRCh37 (hg19) VCF-style: chr4-41748045-C-G.
Other names: short protein forms A242P.
Identifiers: ClinVar variation 5026603 (VCV005026603.1).